The following is an entry in ClinVar:

ClinVar aggregate classification (germline): not provided (0 of 4 stars; one submission).

Conditions:
Severe myoclonic epilepsy in infancy (DRVT). Also called: SEVERE MYOCLONIC EPILEPSY OF INFANCY; DEVELOPMENTAL AND EPILEPTIC ENCEPHALOPATHY 6A; Severe Myoclonic Epilepsy in Infancy (SMEI); Dravet syndrome; Epileptic encephalopathy, early infantile, 6 (Dravet syndrome). Identifiers: Orphanet 33069, MedGen C0751122, MONDO:0100135, OMIM 607208.

Submission:

UniProtKB/Swiss-Prot
No classification provided. Condition: Severe myoclonic epilepsy in infancy. Review status: no classification provided. Collection method: not provided. Allele origin: unknown.
Comment: The variant at protein level is wrongly reported as F383D in PubMed 17054684

NM_001165963.4(SCN1A):c.1149C>G (p.Phe383Leu)

Gene: SCN1A (sodium voltage-gated channel alpha subunit 1; minus strand). Cytogenetic location: 2q24.3.
Variant type: single nucleotide variant.
Coding change: c.1149C>G on transcript NM_001165963.4 (MANE Select); coding-DNA position 1149, C replaced by G.
Protein change: p.Phe383Leu; replaces phenylalanine 383 with leucine.
Molecular consequence: missense variant. On other transcripts: 5 prime UTR variant (1), non-coding transcript variant (1).
Genome position (GRCh38, 1-based): chr2:166,047,648, G>C on the plus strand (C>G on the coding strand, the complement: SCN1A is on the minus strand). VCF-style: chr2-166047648-G-C. GRCh37 (hg19) VCF-style: chr2-166904158-G-C.
Other names: c.1149C>G, p.Phe383Leu (NM_001165964.3, NM_001202435.3, NM_001353948.2 and 10 more transcripts); c.-1277C>G (NM_001353961.2); short protein forms F383L.
Identifiers: ClinVar variation 68503 (VCV000068503.1), dbSNP rs121917939, ClinGen allele CA284862.